The following is an entry in ClinVar:

NM_006950.3(SYN1):c.722C>T (p.Thr241Ile)

Gene: SYN1 (synapsin I; minus strand). Cytogenetic location: Xp11.23.
Variant type: single nucleotide variant.
Coding change: c.722C>T on transcript NM_006950.3 (MANE Select); coding-DNA position 722, C replaced by T.
Protein change: p.Thr241Ile; replaces threonine 241 with isoleucine.
Molecular consequence: missense variant.
Genome position (GRCh38, 1-based): chrX:47,605,030, G>A on the plus strand (C>T on the coding strand, the complement: SYN1 is on the minus strand). VCF-style: chrX-47605030-G-A. GRCh37 (hg19) VCF-style: chrX-47464429-G-A.
Other names: c.722C>T, p.Thr241Ile (NM_133499.2); short protein forms T241I.
Identifiers: ClinVar variation 1381534 (VCV001381534.7), dbSNP rs796053399, ClinGen allele CA318985.
Genomic context (GRCh38, chrX:47,605,030, plus strand): 5'-AAACTCACCATTTCTTTGTGATTGGGGTAGAAGGTCTGATCAATTAGAGGGAATTCTTCT[G>A]TCCCCAGTTTCTTATGCAGTCGAACCATCTGGGCAAACTATGAGAACCAGGAGAGCTGGG-3'
Protein context (NP_008881.2, residues 231-251): QMVRLHKKLG[Thr241Ile]EEFPLIDQTF

ClinVar aggregate classification (germline): Uncertain significance. Review status: criteria provided, multiple submitters, no conflicts (2 of 4 stars). 2 submissions from 2 submitters: Uncertain significance (2). Last evaluated 2023-10-18.

Conditions:
Epilepsy, X-linked 1, with variable learning disabilities and behavior disorders. Also called: X-linked epilepsy-learning disabilities-behavior disorders syndrome. Identifiers: Orphanet 85294, MedGen C5774177, MONDO:0010339, OMIM 300491.

Allele frequency attached by ClinVar (database versions not stated): gnomAD 0.00001; gnomAD exomes 0.00001 and 0.00005; TOPMed 0.00002.
gnomAD v4.1: 58 of 1,210,031 alleles (0.0048%); highest among the groups gnomAD compares: Non-Finnish European, 0.0063%; no homozygotes.

Submissions (2):

Labcorp Genetics (formerly Invitae), Labcorp
Classification: Uncertain significance for Epilepsy, X-linked 1, with variable learning disabilities and behavior disorders. Last evaluated: 2023-10-18. Review status: criteria provided, single submitter. Criteria: Invitae Variant Classification Sherloc (09022015). Collection method: clinical testing. Allele origin: germline.
Comment: This sequence change replaces threonine, which is neutral and polar, with isoleucine, which is neutral and non-polar, at codon 241 of the SYN1 protein (p.Thr241Ile). This variant is present in population databases (rs796053399, gnomAD 0.001%). This missense change has been observed in individual(s) with clinical features of SYN1-related conditions (Invitae). ClinVar contains an entry for this variant (Variation ID: 1381534). An algorithm developed to predict the effect of missense changes on protein structure and function (PolyPhen-2) suggests that this variant is likely to be tolerated. In summary, the available evidence is currently insufficient to determine the role of this variant in disease. Therefore, it has been classified as a Variant of Uncertain Significance.

Blueprint Genetics
Classification: Uncertain significance. Last evaluated: 2021-06-04. Review status: criteria provided, single submitter. Criteria: ACMG Guidelines, 2015. Collection method: clinical testing. Allele origin: germline.